The following is an entry in ClinVar:

NM_031935.3(HMCN1):c.2532C>T (p.Ile844=)

Gene: HMCN1 (hemicentin 1; plus strand). Cytogenetic location: 1q31.1.
Variant type: single nucleotide variant.
Coding change: c.2532C>T on transcript NM_031935.3 (MANE Select); coding-DNA position 2532, C replaced by T.
Protein change: p.Ile844=; no amino-acid change (isoleucine 844 retained).
Molecular consequence: synonymous variant.
Genome position (GRCh38, 1-based): chr1:185,977,947, C>T. VCF-style: chr1-185977947-C-T. GRCh37 (hg19) VCF-style: chr1-185947079-C-T.
Identifiers: ClinVar variation 2992730 (VCV002992730.3), dbSNP rs531132517, ClinGen allele CA1291417.

ClinVar aggregate classification (germline): Uncertain significance (1 of 4 stars; one submission).

Allele frequency attached by ClinVar (database versions not stated): gnomAD exomes below 0.00001; TOPMed below 0.00001; ExAC 0.00001; gnomAD 0.00002; 1000 Genomes Project 0.00040; 1000 Genomes Project 30x 0.00047.
gnomAD v4.1: 6 of 1,613,114 alleles (0.00037%); highest among the groups gnomAD compares: African/African-American, 0.008%; no homozygotes.

Submission:

Labcorp Genetics (formerly Invitae), Labcorp
Classification: Uncertain significance. Last evaluated: 2022-11-16. Review status: criteria provided, single submitter. Criteria: Invitae Variant Classification Sherloc (09022015). Collection method: clinical testing. Allele origin: germline.
Comment: This variant is present in population databases (rs531132517, gnomAD 0.02%). This variant has not been reported in the literature in individuals affected with HMCN1-related conditions. This sequence change affects codon 844 of the HMCN1 mRNA. It is a 'silent' change, meaning that it does not change the encoded amino acid sequence of the HMCN1 protein. In summary, the available evidence is currently insufficient to determine the role of this variant in disease. Therefore, it has been classified as a Variant of Uncertain Significance. Algorithms developed to predict the effect of sequence changes on RNA splicing suggest that this variant may disrupt the consensus splice site.